The following is an entry in ClinVar:

NM_020937.4(FANCM):c.4189A>G (p.Met1397Val)

Gene: FANCM (FA complementation group M; plus strand). Cytogenetic location: 14q21.2.
Variant type: single nucleotide variant.
Coding change: c.4189A>G on transcript NM_020937.4 (MANE Select); coding-DNA position 4189, A replaced by G.
Protein change: p.Met1397Val; replaces methionine 1397 with valine.
Molecular consequence: missense variant.
Genome position (GRCh38, 1-based): chr14:45,176,943, A>G. VCF-style: chr14-45176943-A-G. GRCh37 (hg19) VCF-style: chr14-45646146-A-G.
Other names: c.4111A>G, p.Met1371Val (NM_001308133.2); c.4189A>G (NM_020937.3); short protein forms M1371V, M1397V.
Identifiers: ClinVar variation 1335853 (VCV001335853.10), dbSNP rs376581960, ClinGen allele CA7169637.

ClinVar aggregate classification (germline): Uncertain significance. Review status: criteria provided, multiple submitters, no conflicts (2 of 4 stars). 4 submissions from 4 submitters: Uncertain significance (4). Last evaluated 2025-12-19.

Conditions:
Fanconi anemia (FA). Also called: Fanconi's anemia. Identifiers: Orphanet 84, MedGen C0015625, MeSH D005199, MONDO:0019391.
Spermatogenic failure 28. Identifiers: MedGen C4748117, MONDO:0054732, OMIM 618086.
Premature ovarian failure 15. Identifiers: MedGen C4748170, MONDO:0054862, OMIM 618096.

Allele frequency attached by ClinVar (database versions not stated): gnomAD 0.00001; TOPMed 0.00002; ExAC 0.00003; gnomAD exomes 0.00003 and 0.00004; ESP Exome Variant Server 0.00008.

Submissions (4):

Labcorp Genetics (formerly Invitae), Labcorp
Classification: Uncertain significance for Fanconi anemia. Last evaluated: 2025-12-19. Review status: criteria provided, single submitter. Criteria: Invitae Variant Classification Sherloc (09022015). Collection method: clinical testing. Allele origin: germline.
Comment: This sequence change replaces methionine, which is neutral and non-polar, with valine, which is neutral and non-polar, at codon 1397 of the FANCM protein (p.Met1397Val). This variant is present in population databases (rs376581960, gnomAD 0.01%). This variant has not been reported in the literature in individuals affected with FANCM-related conditions. ClinVar contains an entry for this variant (Variation ID: 1335853). An algorithm developed to predict the effect of missense changes on protein structure and function outputs the following: PolyPhen-2: "Benign". The valine amino acid residue is found in multiple mammalian species, which suggests that this missense change does not adversely affect protein function. In summary, the available evidence is currently insufficient to determine the role of this variant in disease. Therefore, it has been classified as a Variant of Uncertain Significance.

Quest Diagnostics Nichols Institute San Juan Capistrano
Classification: Uncertain significance. Last evaluated: 2022-10-20. Review status: criteria provided, single submitter. Criteria: Quest Diagnostics criteria. Collection method: clinical testing. Allele origin: unknown.
Comment: The frequency of this variant in the general population, 0.000099 (3/30436 chromosomes), is uninformative in assessment of its pathogenicity. In a large scale breast cancer association study, the variant was observed in breast cancer cases as well as in a control subject (see LOVD and PMID: 33471991 (2021)). Analysis of this variant using bioinformatics tools for the prediction of the effect of amino acid changes on protein structure and function yielded predictions that this variant is benign. Based on the available information, we are unable to determine the clinical significance of this variant.

Fulgent Genetics
Classification: Uncertain significance for Spermatogenic failure 28; Premature ovarian failure 15. Last evaluated: 2021-12-28. Review status: criteria provided, single submitter. Criteria: ACMG Guidelines, 2015. Collection method: clinical testing. Allele origin: unknown.

GeneDx
Classification: Uncertain significance. Last evaluated: 2021-09-21. Review status: criteria provided, single submitter. Criteria: GeneDx Variant Classification Process June 2021. Collection method: clinical testing. Allele origin: germline. Affected: yes.
Comment: In silico analysis supports that this missense variant does not alter protein structure/function; Has not been previously published as pathogenic or benign to our knowledge

Literature cited by the submitters: PubMed 33471991 (cited by Quest Diagnostics Nichols Institute San Juan Capistrano).